The following is an entry in ClinVar:

NM_001040108.2(MLH3):c.3571-1G>A

Gene: MLH3 (mutL homolog 3; minus strand). Cytogenetic location: 14q24.3.
Variant type: single nucleotide variant.
Coding change: c.3571-1G>A on transcript NM_001040108.2 (MANE Select); the canonical splice acceptor site of the intron before coding-DNA position 3571, G replaced by A.
Molecular consequence: splice acceptor variant.
Genome position (GRCh38, 1-based): chr14:75,038,413, C>T on the plus strand (G>A on the coding strand, the complement: MLH3 is on the minus strand). VCF-style: chr14-75038413-C-T. GRCh37 (hg19) VCF-style: chr14-75505116-C-T.
Other names: c.3571-1G>A (NM_014381.3).
Identifiers: ClinVar variation 4876059 (VCV004876059.1).
Genomic context (GRCh38, chr14:75,038,413, plus strand): 5'-CTCTTCAGTCTTAGTGCTCATCAAACAGGCAATAAACTTGTTATCTACTTGCTGGAGAAC[C>T]TGTCAGACATTCAAATAAGTGGTACAACACTAAATAAAAATTAACAAAGGCTTATTTGCA-3'

ClinVar aggregate classification (germline): Likely pathogenic (1 of 4 stars; one submission).

Conditions:
Colorectal cancer, hereditary nonpolyposis, type 7. Identifiers: Orphanet 144, MedGen C1858380, MONDO:0013725, OMIM 614385.

Submission:

Myriad Genetics, Inc.
Classification: Likely pathogenic for Colorectal cancer, hereditary nonpolyposis, type 7. Last evaluated: 2026-05-20. Review status: criteria provided, single submitter. Criteria: Myriad Autosomal Dominant, Autosomal Recessive and X-Linked Classification Criteria (2023). Collection method: clinical testing. Allele origin: unknown.
Comment: This variant is considered likely pathogenic. This variant occurs within a consensus splice junction and is predicted to result in abnormal mRNA splicing of either an out-of-frame exon or an in-frame exon necessary for protein stability and/or normal function.